The following is an entry in ClinVar:

ClinVar aggregate classification (germline): Likely benign (1 of 4 stars; one submission).

Conditions:
ADRA2A-related disorder. Also called: ADRA2A-related condition.

Submission:

PreventionGenetics, part of Exact Sciences
Classification: Likely benign for ADRA2A-related condition. Last evaluated: 2026-04-16. Review status: criteria provided, single submitter. Criteria: ACMG Guidelines, 2015. Collection method: clinical testing. Allele origin: germline.
Comment: This variant is classified as likely benign based on ACMG/AMP sequence variant interpretation guidelines (Richards et al. 2015 PMID: 25741868, with internal and published modifications).

NM_000681.4(ADRA2A):c.297G>A (p.Thr99=)

Gene: ADRA2A (adrenoceptor alpha 2A; plus strand). Cytogenetic location: 10q25.2.
Variant type: single nucleotide variant.
Coding change: c.297G>A on transcript NM_000681.4 (MANE Select); coding-DNA position 297, G replaced by A.
Protein change: p.Thr99=; no amino-acid change (threonine 99 retained).
Molecular consequence: synonymous variant.
Genome position (GRCh38, 1-based): chr10:111,078,293, G>A. VCF-style: chr10-111078293-G-A. GRCh37 (hg19) VCF-style: chr10-112838051-G-A.
Identifiers: ClinVar variation 5000178 (VCV005000178.1).